The following is an entry in ClinVar:

ClinVar aggregate classification (germline): Uncertain significance. Review status: criteria provided, multiple submitters, no conflicts (2 of 4 stars). 3 submissions from 3 submitters: Uncertain significance (2). 1 of the submissions does not count toward it. Last evaluated 2023-07-08.

Conditions:
DCTN1-related disorder. Also called: DCTN1-related condition.
Amyotrophic lateral sclerosis type 1 (ALS1). Also called: AMYOTROPHIC LATERAL SCLEROSIS 1, FAMILIAL. Identifiers: Orphanet 803, MedGen C1862939, MONDO:0007103, OMIM 105400.
Neuronopathy, distal hereditary motor, type 7B. Also called: HMN VIIB; LOWER MOTOR NEURON DISEASE, DYNACTIN TYPE; Distal Hereditary Motor Neuronopathy Type 7B (dHMN7B); NEURONOPATHY, DISTAL HEREDITARY MOTOR, AUTOSOMAL DOMINANT 14; NEURONOPATHY, DISTAL HEREDITARY MOTOR, HARDING TYPE VIIB; NEUROPATHY, DISTAL HEREDITARY MOTOR, HARDING TYPE VIIB. Identifiers: Orphanet 139589, MedGen C1843315, MONDO:0011879, OMIM 607641.
Perry syndrome. Also called: PARKINSONISM WITH ALVEOLAR HYPOVENTILATION AND MENTAL DEPRESSION. Identifiers: Orphanet 178509, MedGen C1868594, MONDO:0008201, OMIM 168605.
Inborn genetic diseases. Identifiers: MedGen C0950123, MeSH D030342.

Allele frequency attached by ClinVar (database versions not stated): gnomAD exomes 0.00001; gnomAD 0.00002; TOPMed 0.00002.
gnomAD v4.1: 11 of 1,613,816 alleles (0.00068%); highest among the groups gnomAD compares: Non-Finnish European, 0.00085%; no homozygotes.

Submissions (3):

Labcorp Genetics (formerly Invitae), Labcorp
Classification: Uncertain significance for Amyotrophic lateral sclerosis type 1; Neuronopathy, distal hereditary motor, type 7B; Perry syndrome. Last evaluated: 2023-07-08. Review status: criteria provided, single submitter. Criteria: Invitae Variant Classification Sherloc (09022015). Collection method: clinical testing. Allele origin: germline.
Comment: Advanced modeling of protein sequence and biophysical properties (such as structural, functional, and spatial information, amino acid conservation, physicochemical variation, residue mobility, and thermodynamic stability) performed at Invitae indicates that this missense variant is not expected to disrupt DCTN1 protein function. In summary, the available evidence is currently insufficient to determine the role of this variant in disease. Therefore, it has been classified as a Variant of Uncertain Significance. ClinVar contains an entry for this variant (Variation ID: 536150). This missense change has been observed in individual(s) with familial amyotrophic lateral sclerosis (PMID: 33408239). This variant is present in population databases (no rsID available, gnomAD 0.003%). This sequence change replaces alanine, which is neutral and non-polar, with threonine, which is neutral and polar, at codon 419 of the DCTN1 protein (p.Ala419Thr).

Ambry Genetics
Classification: Uncertain significance for Inborn genetic diseases. Last evaluated: 2021-12-14. Review status: criteria provided, single submitter. Criteria: Ambry Variant Classification Scheme 2023. Collection method: clinical testing. Allele origin: germline.
Comment: The p.A419T variant (also known as c.1255G>A), located in coding exon 12 of the DCTN1 gene, results from a G to A substitution at nucleotide position 1255. The alanine at codon 419 is replaced by threonine, an amino acid with similar properties. This amino acid position is conserved. In addition, the in silico prediction for this alteration is inconclusive. Since supporting evidence is limited at this time, the clinical significance of this alteration remains unclear.

PreventionGenetics, part of Exact Sciences
Classification: Uncertain significance for DCTN1-related condition. Last evaluated: 2024-02-08. Review status: no assertion criteria provided. Collection method: clinical testing. Allele origin: germline. Not counted in ClinVar's aggregate classification.
Comment: The DCTN1 c.1255G>A variant is predicted to result in the amino acid substitution p.Ala419Thr. This variant was reported in an individual with Amyotrophic lateral sclerosis (Corcia et al 2021. PubMed ID: 33408239). This variant is reported in 0.0029% of alleles in individuals of Latino descent in gnomAD. At this time, the clinical significance of this variant is uncertain due to the absence of conclusive functional and genetic evidence.

Literature cited by the submitters: PubMed 33408239 (cited by Labcorp Genetics (formerly Invitae), Labcorp).

NM_004082.5(DCTN1):c.1255G>A (p.Ala419Thr)

Gene: DCTN1 (dynactin subunit 1; minus strand). Cytogenetic location: 2p13.1.
Variant type: single nucleotide variant.
Coding change: c.1255G>A on transcript NM_004082.5 (MANE Select); coding-DNA position 1255, G replaced by A.
Protein change: p.Ala419Thr; replaces alanine 419 with threonine.
Molecular consequence: missense variant. On other transcripts: non-coding transcript variant (1).
Genome position (GRCh38, 1-based): chr2:74,370,218, C>T on the plus strand (G>A on the coding strand, the complement: DCTN1 is on the minus strand). VCF-style: chr2-74370218-C-T. GRCh37 (hg19) VCF-style: chr2-74597345-C-T.
Other names: c.1195G>A, p.Ala399Thr (NM_001135040.3); c.853G>A, p.Ala285Thr (NM_001135041.3, NM_023019.4); c.1144G>A, p.Ala382Thr (NM_001190836.2); c.1234G>A, p.Ala412Thr (NM_001190837.2); c.1204G>A, p.Ala402Thr (NM_001378991.1); c.1186G>A, p.Ala396Thr (NM_001378992.1); short protein forms A419T, A382T, A285T, A399T, A412T, A396T, A402T.
Identifiers: ClinVar variation 536150 (VCV000536150.14), dbSNP rs922032527, ClinGen allele CA50476854.